The following is an entry in ClinVar:

ClinVar aggregate classification (germline): Uncertain significance. Review status: criteria provided, multiple submitters, no conflicts (2 of 4 stars). 2 submissions from 2 submitters: Uncertain significance (2). Last evaluated 2025-12-11.

Conditions:
Inborn genetic diseases. Identifiers: MedGen C0950123, MeSH D030342.
Myopathy, proximal, and ophthalmoplegia (CMYO6). Also called: INCLUSION BODY MYOPATHY 3, AUTOSOMAL DOMINANT; MYOPATHY WITH CONGENITAL JOINT CONTRACTURES, OPHTHALMOPLEGIA, AND RIMMED VACUOLES; CONGENITAL MYOPATHY 6 WITH OPHTHALMOPLEGIA. Identifiers: Orphanet 363677, Orphanet 79091, MedGen C1854106, MONDO:0011577, OMIM 605637.

Submissions (2):

Ambry Genetics
Classification: Uncertain significance for Inborn genetic diseases. Last evaluated: 2025-12-11. Review status: criteria provided, single submitter. Criteria: Ambry Variant Classification Scheme 2023. Collection method: clinical testing. Allele origin: germline.

Labcorp Genetics (formerly Invitae), Labcorp
Classification: Uncertain significance for Myopathy, proximal, and ophthalmoplegia. Last evaluated: 2024-03-27. Review status: criteria provided, single submitter. Criteria: Invitae Variant Classification Sherloc (09022015). Collection method: clinical testing. Allele origin: germline.
Comment: This sequence change replaces glycine, which is neutral and non-polar, with arginine, which is basic and polar, at codon 574 of the MYH2 protein (p.Gly574Arg). This variant is present in population databases (no rsID available, gnomAD 0.004%). This variant has not been reported in the literature in individuals affected with MYH2-related conditions. Advanced modeling of protein sequence and biophysical properties (such as structural, functional, and spatial information, amino acid conservation, physicochemical variation, residue mobility, and thermodynamic stability) performed at Invitae indicates that this missense variant is not expected to disrupt MYH2 protein function with a negative predictive value of 80%. In summary, the available evidence is currently insufficient to determine the role of this variant in disease. Therefore, it has been classified as a Variant of Uncertain Significance.

NM_017534.6(MYH2):c.1720G>C (p.Gly574Arg)

Genes: MYH2 (myosin heavy chain 2; minus strand), MYHAS (myosin heavy chain gene cluster antisense RNA; plus strand). Cytogenetic location: 17p13.1.
Variant type: single nucleotide variant.
Coding change: c.1720G>C on transcript NM_017534.6 (MANE Select); coding-DNA position 1720, G replaced by C.
Protein change: p.Gly574Arg; replaces glycine 574 with arginine.
Molecular consequence: missense variant.
Genome position (GRCh38, 1-based): chr17:10,537,410, C>G on the plus strand (G>C on the coding strand, the complement: MYH2 is on the minus strand). VCF-style: chr17-10537410-C-G. GRCh37 (hg19) VCF-style: chr17-10440727-C-G.
Other names: c.1720G>C, p.Gly574Arg (NM_001100112.2); c.1720G>C (NM_017534.5); short protein forms G574R.
Identifiers: ClinVar variation 3702592 (VCV003702592.3).
Genomic context (GRCh38, chr17:10,537,410, plus strand): 5'-TAATGTTGTAGTCCACAACACCAGCATAGTGAATCAGAGCGAAGTGGGCCTCGGCCTTGC[C>G]TTTGACCACCTTGGGCTTCTGGAAGTTGGCAGACTTGCCCAGGTGCTGGTCATACAGCTT-3'
Protein context (NP_060004.3, residues 564-584): ANFQKPKVVK[Gly574Arg]KAEAHFALIH